The following is an entry in ClinVar:

ClinVar aggregate classification (germline): Likely pathogenic (1 of 4 stars; one submission).

Conditions:
Ehlers-Danlos syndrome, classic type, 1 (EDSCL1). Also called: EHLERS-DANLOS SYNDROME, GRAVIS TYPE; EHLERS-DANLOS SYNDROME, SEVERE CLASSIC TYPE; Ehlers-Danlos syndrome, type 1; Ehlers-Danlos Syndrome, Classic Type, COL5A1-Related; EDS I. Identifiers: MedGen C0268335, MONDO:0019567, OMIM 130000.

Submission:

Labcorp Genetics (formerly Invitae), Labcorp
Classification: Likely pathogenic for Ehlers-Danlos syndrome, classic type, 1. Last evaluated: 2023-12-29. Review status: criteria provided, single submitter. Criteria: Invitae Variant Classification Sherloc (09022015). Collection method: clinical testing. Allele origin: germline.
Comment: This sequence change replaces glycine, which is neutral and non-polar, with aspartic acid, which is acidic and polar, at codon 501 of the COL5A2 protein (p.Gly501Asp). This variant is not present in population databases (gnomAD no frequency). This missense change has been observed in individual(s) with clinical features of COL5A2-related condition (Invitae). In at least one individual the variant was observed to be de novo. Advanced modeling of protein sequence and biophysical properties (such as structural, functional, and spatial information, amino acid conservation, physicochemical variation, residue mobility, and thermodynamic stability) has been performed at Invitae for this missense variant, however the output from this modeling did not meet the statistical confidence thresholds required to predict the impact of this variant on COL5A2 protein function. In summary, the currently available evidence indicates that the variant is pathogenic, but additional data are needed to prove that conclusively. Therefore, this variant has been classified as Likely Pathogenic.

NM_000393.5(COL5A2):c.1502G>A (p.Gly501Asp)

Gene: COL5A2 (collagen type V alpha 2 chain; minus strand). Cytogenetic location: 2q32.2.
Variant type: single nucleotide variant.
Coding change: c.1502G>A on transcript NM_000393.5 (MANE Select); coding-DNA position 1502, G replaced by A.
Protein change: p.Gly501Asp; replaces glycine 501 with aspartic acid.
Molecular consequence: missense variant.
Genome position (GRCh38, 1-based): chr2:189,066,451, C>T on the plus strand (G>A on the coding strand, the complement: COL5A2 is on the minus strand). VCF-style: chr2-189066451-C-T. GRCh37 (hg19) VCF-style: chr2-189931177-C-T.
Other names: short protein forms G501D.
Identifiers: ClinVar variation 2700510 (VCV002700510.3), dbSNP rs2469306279, ClinGen allele CA349851337.